The following is an entry in ClinVar:

NM_020529.3(NFKBIA):c.336+5G>T

Gene: NFKBIA (NFKB inhibitor alpha; minus strand). Cytogenetic location: 14q13.2.
Variant type: single nucleotide variant.
Coding change: c.336+5G>T on transcript NM_020529.3 (MANE Select); 5 bases into the intron after coding-DNA position 336, G replaced by T.
Molecular consequence: intron variant.
Genome position (GRCh38, 1-based): chr14:35,403,685, C>A on the plus strand (G>T on the coding strand, the complement: NFKBIA is on the minus strand). VCF-style: chr14-35403685-C-A. GRCh37 (hg19) VCF-style: chr14-35872891-C-A.
Other names: NC_000014.8:g.35872891C>A.
Identifiers: ClinVar variation 4396614 (VCV004396614.2).

ClinVar aggregate classification (germline): Uncertain significance (1 of 4 stars; one submission).

Conditions:
Ectodermal dysplasia and immunodeficiency 2. Identifiers: Orphanet 238468, Orphanet 98813, MedGen C2677481, MONDO:0012806, OMIM 612132.

gnomAD v4.1: 3 of 1,606,014 alleles (0.00019%); highest among the groups gnomAD compares: African/African-American, 0.0027%; no homozygotes.

Submissions (2):

Labcorp Genetics (formerly Invitae), Labcorp
Classification: Uncertain significance for Ectodermal dysplasia and immunodeficiency 2. Last evaluated: 2025-08-26. Review status: criteria provided, single submitter. Criteria: Invitae Variant Classification Sherloc (09022015). Collection method: clinical testing. Allele origin: germline.
Comment: This sequence change falls in intron 2 of the NFKBIA gene. It does not directly change the encoded amino acid sequence of the NFKBIA protein. It affects a nucleotide within the consensus splice site. This variant is present in population databases (no rsID available, gnomAD 0.007%). This variant has not been reported in the literature in individuals affected with NFKBIA-related conditions. Variants that disrupt the consensus splice site are a relatively common cause of aberrant splicing (PMID: 17576681, 9536098). Algorithms developed to predict the effect of sequence changes on RNA splicing suggest that this variant is not likely to affect RNA splicing. In summary, the available evidence is currently insufficient to determine the role of this variant in disease. Therefore, it has been classified as a Variant of Uncertain Significance.

Dr. Peter K. Rogan Lab, Western University
No classification provided (evidence only). Condition: Ovarian serous cystadenocarcinoma. Review status: no classification provided. Collection method: in vitro. Allele origin: not applicable. Functional consequence: skipped exon. Not counted in ClinVar's aggregate classification.

Literature cited by the submitters: PubMed 17576681 (cited by Labcorp Genetics (formerly Invitae), Labcorp); PubMed 9536098 (cited by Labcorp Genetics (formerly Invitae), Labcorp).